The following is an entry in ClinVar:

ClinVar aggregate classification (germline): Uncertain significance (1 of 4 stars; one submission).

Conditions:
Hereditary cancer-predisposing syndrome. Also called: Hereditary Cancer Syndrome; Neoplastic Syndromes, Hereditary; Tumor predisposition; Hereditary neoplastic syndrome. Identifiers: Orphanet 140162, MedGen C0027672, MeSH D009386, MONDO:0015356.

Submission:

Ambry Genetics
Classification: Uncertain significance for Hereditary cancer-predisposing syndrome. Last evaluated: 2021-08-02. Review status: criteria provided, single submitter. Criteria: Ambry Variant Classification Scheme 2023. Collection method: clinical testing. Allele origin: germline.
Comment: The c.529dupA variant, located in coding exon 4 of the CDK4 gene, results from a duplication of A at nucleotide position 529, causing a translational frameshift with a predicted alternate stop codon (p.T177Nfs*43). This alteration is expected to result in premature protein truncation or nonsense-mediated mRNA decay. However, loss of function of CDK4 has not been clearly established as a mechanism of disease. Since supporting evidence is limited at this time, the clinical significance of this alteration remains unclear.

NM_000075.4(CDK4):c.529dup (p.Thr177fs)

Gene: CDK4 (cyclin dependent kinase 4; minus strand). Cytogenetic location: 12q14.1.
Variant type: Duplication.
Coding change: c.529dup on transcript NM_000075.4 (MANE Select); coding-DNA position 529, one base duplicated (A; older notation c.529dupA).
Protein change: p.Thr177fs; shifts the reading frame from threonine 177.
Molecular consequence: frameshift variant.
Genome position (GRCh38, 1-based): chr12:57,750,759, T duplicated on the plus strand (A on the coding strand, the reverse complement: CDK4 is on the minus strand). VCF-style (leftmost placement, unchanged base first): chr12-57750758-G-GT. GRCh37 (hg19) VCF-style: chr12-58144541-G-GT.
Other names: short protein forms T177fs.
Identifiers: ClinVar variation 1746673 (VCV001746673.2), dbSNP rs2540900686, ClinGen allele CA2580086616.
Genomic context (GRCh38, chr12:57,750,758, plus strand): 5'-ATGTCCACAGGTGTTGCATATGTGGACTGCAGAAGAACTTCGGGAGCTCGGTACCAGAGT[G>GT]TAACAACCTAAAGGGAATAGGAAGAATGGATGGGGACCCCATGGGTTACCATGAAACACA-3'